The following is an entry in ClinVar:

ClinVar aggregate classification (germline): Pathogenic. Review status: criteria provided, multiple submitters, no conflicts (2 of 4 stars). 3 submissions from 3 submitters: Pathogenic (3). Last evaluated 2026-06-17.

Conditions:
Breast-ovarian cancer, familial, susceptibility to, 2 (BROVCA2). Also called: BRCA2 Hereditary Breast and Ovarian Cancer. Identifiers: Orphanet 145, MedGen C2675520, MONDO:0012933, OMIM 612555. Disease mechanism: loss of function.
Hereditary cancer-predisposing syndrome. Also called: Tumor predisposition; Hereditary Cancer Syndrome; Hereditary neoplastic syndrome; Neoplastic Syndromes, Hereditary. Identifiers: Orphanet 140162, MedGen C0027672, MeSH D009386, MONDO:0015356.
Hereditary breast ovarian cancer syndrome. Also called: Hereditary breast and ovarian cancer; Hereditary breast and/or ovarian cancer syndrome; Hereditary breast and ovarian cancer syndrome; Breast and ovarian cancer; BRCA1- and BRCA2-Associated Hereditary Breast and Ovarian Cancer; Hereditary breast and ovarian cancer syndrome (HBOC). Identifiers: Orphanet 145, MedGen C0677776, MeSH D061325, MONDO:0003582. Disease mechanism: loss of function.

Submissions (3):

Myriad Genetics, Inc.
Classification: Pathogenic for Breast-ovarian cancer, familial, susceptibility to, 2. Last evaluated: 2026-06-17. Review status: criteria provided, single submitter. Criteria: Myriad Autosomal Dominant, Autosomal Recessive and X-Linked Classification Criteria (2023). Collection method: clinical testing. Allele origin: unknown.
Comment: This variant is considered pathogenic. This variant creates a frameshift predicted to result in premature protein truncation.

Ambry Genetics
Classification: Pathogenic for Hereditary cancer-predisposing syndrome. Last evaluated: 2022-10-21. Review status: criteria provided, single submitter. Criteria: Ambry Variant Classification Scheme 2023. Collection method: clinical testing. Allele origin: germline.
Comment: The c.2407dupT pathogenic mutation, located in coding exon 10 of the BRCA2 gene, results from a duplication of T at nucleotide position 2407, causing a translational frameshift with a predicted alternate stop codon (p.Y803Lfs*2). This variant is considered to be rare based on population cohorts in the Genome Aggregation Database (gnomAD). This alteration is expected to result in loss of function by premature protein truncation or nonsense-mediated mRNA decay. As such, this alteration is interpreted as a disease-causing mutation.

Labcorp Genetics (formerly Invitae), Labcorp
Classification: Pathogenic for Hereditary breast ovarian cancer syndrome. Last evaluated: 2019-03-16. Review status: criteria provided, single submitter. Criteria: Invitae Variant Classification Sherloc (09022015). Collection method: clinical testing. Allele origin: germline.
Comment: For these reasons, this variant has been classified as Pathogenic. Loss-of-function variants in BRCA2 are known to be pathogenic (PMID: 20104584). This variant has not been reported in the literature in individuals with BRCA2-related conditions. This variant is not present in population databases (ExAC no frequency). This sequence change creates a premature translational stop signal (p.Tyr803Leufs*2) in the BRCA2 gene. It is expected to result in an absent or disrupted protein product.

Literature cited by the submitters: PubMed 20104584 (cited by Labcorp Genetics (formerly Invitae), Labcorp).

NM_000059.4(BRCA2):c.2407dup (p.Tyr803fs)

Gene: BRCA2 (BRCA2 DNA repair associated; plus strand). Cytogenetic location: 13q13.1.
Variant type: Duplication.
Coding change: c.2407dup on transcript NM_000059.4 (MANE Select); coding-DNA position 2407, one base duplicated (T; older notation c.2407dupT).
Protein change: p.Tyr803fs; shifts the reading frame from tyrosine 803.
Molecular consequence: frameshift variant.
Genome position (GRCh38, 1-based): chr13:32,336,762, T duplicated; the last of 2 consecutive T bases (chr13:32,336,761-32,336,762); duplicating either gives the same sequence. VCF-style (leftmost placement, unchanged base first): chr13-32336760-A-AT. GRCh37 (hg19) VCF-style: chr13-32910897-A-AT.
Other names: c.2407dupT (NM_000059.3); short protein forms Y803fs.
Identifiers: ClinVar variation 835986 (VCV000835986.11), dbSNP rs2072457050, ClinGen allele CA916080193.